The following is an entry in ClinVar:

NM_000355.4(TCN2):c.*29C>A

Gene: TCN2 (transcobalamin 2; plus strand). Cytogenetic location: 22q12.2.
Variant type: single nucleotide variant.
Coding change: c.*29C>A on transcript NM_000355.4 (MANE Select); 29 bases downstream of the stop codon, C replaced by A.
Molecular consequence: 3 prime UTR variant.
Genome position (GRCh38, 1-based): chr22:30,626,550, C>A. VCF-style: chr22-30626550-C-A. GRCh37 (hg19) VCF-style: chr22-31022537-C-A.
Other names: c.*29C>A (NM_001184726.2).
Identifiers: ClinVar variation 341216 (VCV000341216.8), dbSNP rs190828416, ClinGen allele CA10185084.

ClinVar aggregate classification (germline): Benign/Likely benign. Review status: criteria provided, multiple submitters, no conflicts (2 of 4 stars). 4 submissions from 4 submitters: Benign (3); Likely benign (1). Last evaluated 2025-02-21.

Conditions:
Transcobalamin II deficiency (TCN2D). Also called: TC II DEFICIENCY; TCN2 DEFICIENCY; Transcolabamin II deficiency. Identifiers: Orphanet 859, MedGen C0342701, MONDO:0010149, OMIM 275350.

Allele frequency attached by ClinVar (database versions not stated): ESP Exome Variant Server 0.00031; TOPMed 0.00280; 1000 Genomes Project 0.00479; 1000 Genomes Project 30x 0.00547.
gnomAD v4.1: 2,289 of 1,612,740 alleles (0.14%); highest among the groups gnomAD compares: Admixed American, 3.6%; 51 homozygotes.

Submissions (4):

Mayo Clinic Laboratories, Mayo Clinic
Classification: Benign. Last evaluated: 2025-02-21. Review status: criteria provided, single submitter. Criteria: ACMG Guidelines, 2015. Collection method: clinical testing. Allele origin: germline. Observed: 2 variant alleles.
Comment: BA1, BS2, BP7

GeneDx
Classification: Likely benign. Last evaluated: 2021-05-16. Review status: criteria provided, single submitter. Criteria: GeneDx Variant Classification Process June 2021. Collection method: clinical testing. Allele origin: germline. Affected: yes.
Comment: See Variant Classification Assertion Criteria.

Illumina Laboratory Services, Illumina
Classification: Benign for Transcobalamin II deficiency. Last evaluated: 2018-01-13. Review status: criteria provided, single submitter. Criteria: ICSL Variant Classification Criteria 13 December 2019. Collection method: clinical testing. Allele origin: germline.
Comment: This variant was observed in the ICSL laboratory as part of a predisposition screen in an ostensibly healthy population. It had not been previously curated by ICSL or reported in the Human Gene Mutation Database (HGMD: prior to June 1st, 2018), and was therefore a candidate for classification through an automated scoring system. Utilizing variant allele frequency, disease prevalence and penetrance estimates, and inheritance mode, an automated score was calculated to assess if this variant is too frequent to cause the disease. Based on the score and internal cut-off values, a variant classified as benign is not then subjected to further curation. The score for this variant resulted in a classification of benign for this disease.

Breakthrough Genomics
Classification: Benign. Review status: criteria provided, single submitter. Criteria: ACMG Guidelines, 2015. Collection method: not provided. Allele origin: germline. Inheritance: Autosomal recessive inheritance. Affected: yes.